The following is an entry in ClinVar:

ClinVar aggregate classification (germline): Uncertain significance (1 of 4 stars; one submission).

Submission:

Labcorp Genetics (formerly Invitae), Labcorp
Classification: Uncertain significance. Last evaluated: 2025-09-15. Review status: criteria provided, single submitter. Criteria: Invitae Variant Classification Sherloc (09022015). Collection method: clinical testing. Allele origin: germline.
Comment: This sequence change creates a premature translational stop signal (p.Ala114Glyfs*19) in the APOL1 gene. While this is not anticipated to result in nonsense mediated decay, it is expected to disrupt the last 285 amino acid(s) of the APOL1 protein. This variant is not present in population databases (gnomAD no frequency). This variant has not been reported in the literature in individuals affected with APOL1-related conditions. ClinVar contains an entry for this variant (Variation ID: 1443279). Experimental studies and prediction algorithms are not available or were not evaluated, and the functional significance of this variant is currently unknown. In summary, the available evidence is currently insufficient to determine the role of this variant in disease. Therefore, it has been classified as a Variant of Uncertain Significance.

NM_003661.4(APOL1):c.340dup (p.Ala114fs)

Gene: APOL1 (apolipoprotein L1; plus strand). Cytogenetic location: 22q12.3.
Variant type: Duplication.
Coding change: c.340dup on transcript NM_003661.4 (MANE Select); coding-DNA position 340, one base duplicated (G; older notation c.340dupG).
Protein change: p.Ala114fs; shifts the reading frame from alanine 114.
Molecular consequence: frameshift variant.
Genome position (GRCh38, 1-based): chr22:36,265,176, G duplicated. VCF-style (leftmost placement, unchanged base first): chr22-36265175-A-AG. GRCh37 (hg19) VCF-style: chr22-36661221-A-AG.
Other names: c.340dup, p.Ala114fs (NM_001136540.2); c.286dup, p.Ala96fs (NM_001136541.2, NM_001362927.2); c.388dup, p.Ala130fs (NM_145343.3); short protein forms A130fs, A114fs, A96fs.
Identifiers: ClinVar variation 1443279 (VCV001443279.9), dbSNP rs2146311262, ClinGen allele CA2573158172.